The following is an entry in ClinVar:

NM_015374.3(SUN2):c.1612C>T (p.Arg538Cys)

Genes: GTPBP1 (GTP binding protein 1; plus strand), SUN2 (Sad1 and UNC84 domain containing 2; minus strand). Cytogenetic location: 22q13.1.
Variant type: single nucleotide variant.
Coding change: c.1612C>T on transcript NM_015374.3 (MANE Select); coding-DNA position 1612, C replaced by T.
Protein change: p.Arg538Cys; replaces arginine 538 with cysteine.
Molecular consequence: missense variant.
Genome position (GRCh38, 1-based): chr22:38,739,393, G>A on the plus strand (C>T on the coding strand, the complement: SUN2 is on the minus strand). VCF-style: chr22-38739393-G-A. GRCh37 (hg19) VCF-style: chr22-39135398-G-A.
Other names: c.1612C>T (NM_015374.2); c.1675C>T, p.Arg559Cys (NM_001199579.2, NM_001394428.1); c.1612C>T, p.Arg538Cys (NM_001199580.2, NM_001394431.1, NM_001394432.1 and 3 more transcripts); c.1705C>T, p.Arg569Cys (NM_001394427.1); c.1657C>T, p.Arg553Cys (NM_001394429.1, NM_001394430.1); c.1609C>T, p.Arg537Cys (NM_001394436.1, NM_001394437.1); c.1522C>T, p.Arg508Cys (NM_001394438.1); c.1474C>T, p.Arg492Cys (NM_001394439.1, NM_001394440.1, NM_001394441.1); and 3 more; short protein forms R346C, R374C, R538C, R553C, R569C, R405C, R492C, R508C.
Identifiers: ClinVar variation 1482753 (VCV001482753.7), dbSNP rs2092835149, ClinGen allele CA411583924.

ClinVar aggregate classification (germline): Uncertain significance. Review status: criteria provided, multiple submitters, no conflicts (2 of 4 stars). 2 submissions from 2 submitters: Uncertain significance (2). Last evaluated 2025-05-13.

Conditions:
Emery-Dreifuss muscular dystrophy (EDMD). Also called: Scapuloperoneal syndrome, X-linked (formerly); Humeroperoneal neuromuscular disease, (formerly). Identifiers: Orphanet 261, MedGen C0410189, MONDO:0016830.

Allele frequency attached by ClinVar (database versions not stated): gnomAD exomes below 0.00001.
gnomAD v4.1: 5 of 1,613,168 alleles (0.00031%); highest among the groups gnomAD compares: Non-Finnish European, 0.00042%; no homozygotes.

Submissions (2):

Ambry Genetics
Classification: Uncertain significance. Last evaluated: 2025-05-13. Review status: criteria provided, single submitter. Criteria: Ambry Variant Classification Scheme 2023. Collection method: clinical testing. Allele origin: germline.

Labcorp Genetics (formerly Invitae), Labcorp
Classification: Uncertain significance for Emery-Dreifuss muscular dystrophy. Last evaluated: 2022-02-09. Review status: criteria provided, single submitter. Criteria: Invitae Variant Classification Sherloc (09022015). Collection method: clinical testing. Allele origin: germline.
Comment: In summary, the available evidence is currently insufficient to determine the role of this variant in disease. Therefore, it has been classified as a Variant of Uncertain Significance. Algorithms developed to predict the effect of missense changes on protein structure and function are either unavailable or do not agree on the potential impact of this missense change (SIFT: "Tolerated"; PolyPhen-2: "Probably Damaging"; Align-GVGD: "Class C0"). This variant has not been reported in the literature in individuals affected with SUN2-related conditions. This variant is not present in population databases (gnomAD no frequency). This sequence change replaces arginine, which is basic and polar, with cysteine, which is neutral and slightly polar, at codon 538 of the SUN2 protein (p.Arg538Cys).